The following is an entry in ClinVar:

NM_153717.3(EVC):c.2114A>G (p.Glu705Gly)

Gene: EVC (EvC ciliary complex subunit 1; plus strand). Cytogenetic location: 4p16.2.
Variant type: single nucleotide variant.
Coding change: c.2114A>G on transcript NM_153717.3 (MANE Select); coding-DNA position 2114, A replaced by G.
Protein change: p.Glu705Gly; replaces glutamic acid 705 with glycine.
Molecular consequence: missense variant.
Genome position (GRCh38, 1-based): chr4:5,798,602, A>G. VCF-style: chr4-5798602-A-G. GRCh37 (hg19) VCF-style: chr4-5800329-A-G.
Other names: c.2114A>G, p.Glu705Gly (NM_001306090.2); short protein forms E705G.
Identifiers: ClinVar variation 970990 (VCV000970990.32), dbSNP rs765248751, ClinGen allele CA2836393.

ClinVar aggregate classification (germline): Uncertain significance. Review status: criteria provided, multiple submitters, no conflicts (2 of 4 stars). 3 submissions from 3 submitters: Uncertain significance (2). 1 of the submissions does not count toward it. Last evaluated 2023-02-01.

Conditions:
Ellis-van Creveld syndrome (EVC). Also called: Chondroectodermal dysplasia; MESOECTODERMAL DYSPLASIA. Identifiers: Orphanet 289, MedGen C0013903, MONDO:0009162, OMIM 225500.
Curry-Hall syndrome (WAD). Also called: WEYERS ACRODENTAL DYSOSTOSIS. Identifiers: Orphanet 952, MedGen C0457013, MONDO:0008673, OMIM 193530.

Allele frequency attached by ClinVar (database versions not stated): ExAC below 0.00001; gnomAD 0.00001; gnomAD exomes 0.00002; TOPMed 0.00002.
gnomAD v4.1: 28 of 1,571,854 alleles (0.0018%); highest among the groups gnomAD compares: Admixed American, 0.0037%; no homozygotes.

Submissions (3):

CeGaT Center for Human Genetics Tuebingen
Classification: Uncertain significance. Last evaluated: 2023-02-01. Review status: criteria provided, single submitter. Criteria: CeGaT Center For Human Genetics Tuebingen Variant Classification Criteria Version 2. Collection method: clinical testing. Allele origin: germline. Affected: yes. Observed: 1 variant allele.
Comment: EVC: PM2:Supporting, BP4

Labcorp Genetics (formerly Invitae), Labcorp
Classification: Uncertain significance for Curry-Hall syndrome; Ellis-van Creveld syndrome. Last evaluated: 2022-03-04. Review status: criteria provided, single submitter. Criteria: Invitae Variant Classification Sherloc (09022015). Collection method: clinical testing. Allele origin: germline.
Comment: This sequence change replaces glutamic acid, which is acidic and polar, with glycine, which is neutral and non-polar, at codon 705 of the EVC protein (p.Glu705Gly). This variant is present in population databases (rs765248751, gnomAD 0.007%). This variant has not been reported in the literature in individuals affected with EVC-related conditions. ClinVar contains an entry for this variant (Variation ID: 970990). Algorithms developed to predict the effect of missense changes on protein structure and function are either unavailable or do not agree on the potential impact of this missense change (SIFT: "Deleterious"; PolyPhen-2: "Probably Damaging"; Align-GVGD: "Class C0"). In summary, the available evidence is currently insufficient to determine the role of this variant in disease. Therefore, it has been classified as a Variant of Uncertain Significance.

Natera, Inc.
Classification: Uncertain significance for Ellis-van Creveld syndrome. Last evaluated: 2020-01-05. Review status: no assertion criteria provided. Collection method: clinical testing. Allele origin: germline. Not counted in ClinVar's aggregate classification.